The following is an entry in ClinVar:

ClinVar aggregate classification (germline): Uncertain significance. Review status: criteria provided, multiple submitters, no conflicts (2 of 4 stars). 2 submissions from 2 submitters: Uncertain significance (2). Last evaluated 2022-07-12.

gnomAD v4.1: 4 of 1,612,694 alleles (0.00025%); highest among the groups gnomAD compares: Non-Finnish European, 0.00034%; no homozygotes.

Submissions (2):

Labcorp Genetics (formerly Invitae), Labcorp
Classification: Uncertain significance. Last evaluated: 2022-07-12. Review status: criteria provided, single submitter. Criteria: Invitae Variant Classification Sherloc (09022015). Collection method: clinical testing. Allele origin: germline.
Comment: In summary, the available evidence is currently insufficient to determine the role of this variant in disease. Therefore, it has been classified as a Variant of Uncertain Significance. Algorithms developed to predict the effect of missense changes on protein structure and function are either unavailable or do not agree on the potential impact of this missense change (SIFT: "Deleterious"; PolyPhen-2: "Probably Damaging"; Align-GVGD: "Class C0"). ClinVar contains an entry for this variant (Variation ID: 1483482). This variant has not been reported in the literature in individuals affected with SCN3A-related conditions. This variant is not present in population databases (gnomAD no frequency). This sequence change replaces proline, which is neutral and non-polar, with serine, which is neutral and polar, at codon 49 of the SCN3A protein (p.Pro49Ser).

Revvity Omics, Revvity
Classification: Uncertain significance. Last evaluated: 2021-09-16. Review status: criteria provided, single submitter. Criteria: ACMG Guidelines, 2015. Collection method: clinical testing. Allele origin: germline.

NM_006922.4(SCN3A):c.145C>T (p.Pro49Ser)

Gene: SCN3A (sodium voltage-gated channel alpha subunit 3; minus strand). Cytogenetic location: 2q24.3.
Variant type: single nucleotide variant.
Coding change: c.145C>T on transcript NM_006922.4 (MANE Select); coding-DNA position 145, C replaced by T.
Protein change: p.Pro49Ser; replaces proline 49 with serine.
Molecular consequence: missense variant.
Genome position (GRCh38, 1-based): chr2:165,176,250, G>A on the plus strand (C>T on the coding strand, the complement: SCN3A is on the minus strand). VCF-style: chr2-165176250-G-A. GRCh37 (hg19) VCF-style: chr2-166032760-G-A.
Other names: c.145C>T, p.Pro49Ser (NM_001081676.2, NM_001081677.2); short protein forms P49S.
Identifiers: ClinVar variation 1483482 (VCV001483482.9), dbSNP rs2105924636, ClinGen allele CA349240963.
Genomic context (GRCh38, chr2:165,176,250, plus strand): 5'-GAATGTCTCCATAAATAAATGGAAGGTTCTTTCCAGCTTCCAAGTCACTATTTGGCTTTG[G>A]TTTGTTCTCATCATCATTATCTTGTTCCTTTTTGGGCTTCTTGGCTTTCTCTTCTGCAGC-3'
Protein context (NP_008853.3, residues 39-59): KEQDNDDENK[Pro49Ser]KPNSDLEAGK